The following is an entry in ClinVar:

ClinVar aggregate classification (germline): Likely benign (0 of 4 stars; one submission).

Conditions:
MYO1C-related disorder. Also called: MYO1C-related condition.

Allele frequency attached by ClinVar (database versions not stated): ExAC 0.00004; gnomAD 0.00004; TOPMed 0.00006; ESP Exome Variant Server 0.00008; gnomAD exomes 0.00009.
gnomAD v4.1: 135 of 1,613,540 alleles (0.0084%); highest among the groups gnomAD compares: South Asian, 0.019%; 1 homozygote.

Submission:

PreventionGenetics, part of Exact Sciences
Classification: Likely benign for MYO1C-related condition. Last evaluated: 2019-02-26. Review status: no assertion criteria provided. Collection method: clinical testing. Allele origin: germline.
Comment: This variant is classified as likely benign based on ACMG/AMP sequence variant interpretation guidelines (Richards et al. 2015 PMID: 25741868, with internal and published modifications).

NM_001080779.2(MYO1C):c.2625C>T (p.Ala875=)

Gene: MYO1C (myosin IC; minus strand). Cytogenetic location: 17p13.3.
Variant type: single nucleotide variant.
Coding change: c.2625C>T on transcript NM_001080779.2 (MANE Select); coding-DNA position 2625, C replaced by T.
Protein change: p.Ala875=; no amino-acid change (alanine 875 retained).
Molecular consequence: synonymous variant.
Genome position (GRCh38, 1-based): chr17:1,468,482, G>A on the plus strand (C>T on the coding strand, the complement: MYO1C is on the minus strand). VCF-style: chr17-1468482-G-A. GRCh37 (hg19) VCF-style: chr17-1371776-G-A.
Other names: c.2568C>T, p.Ala856= (NM_001080950.2); c.2553C>T, p.Ala851= (NM_001363855.1); c.2520C>T, p.Ala840= (NM_033375.5).
Identifiers: ClinVar variation 3046728 (VCV003046728.2), dbSNP rs374091489, ClinGen allele CA8266897.